The following is an entry in ClinVar:

NM_001199397.3(NEK1):c.2435-3T>C

Gene: NEK1 (NIMA related kinase 1; minus strand). Cytogenetic location: 4q33.
Variant type: single nucleotide variant.
Coding change: c.2435-3T>C on transcript NM_001199397.3 (MANE Select); 3 bases into the intron before coding-DNA position 2435, T replaced by C.
Molecular consequence: intron variant.
Genome position (GRCh38, 1-based): chr4:169,463,398, A>G on the plus strand (T>C on the coding strand, the complement: NEK1 is on the minus strand). VCF-style: chr4-169463398-A-G. GRCh37 (hg19) VCF-style: chr4-170384549-A-G.
Other names: c.2129-3T>C (NM_001374421.1); c.2300-3T>C (NM_001374420.1); c.2144-3T>C (NM_001199399.3); c.2303-3T>C (NM_001199398.3); c.2351-3T>C (NM_001374419.1, NM_012224.4); c.2219-3T>C (NM_001199400.3); c.2435-3T>C (NM_001374418.1).
Identifiers: ClinVar variation 2049460 (VCV002049460.4), dbSNP rs376641963, ClinGen allele CA3137403.

ClinVar aggregate classification (germline): Uncertain significance (1 of 4 stars; one submission).

Conditions:
Short-rib thoracic dysplasia 6 with or without polydactyly (SRTD6). Also called: POLYDACTYLY WITH NEONATAL CHONDRODYSTROPHY, TYPE II; SHORT-RIB THORACIC DYSPLASIA 6 WITH POLYDACTYLY; SHORT-RIB THORACIC DYSPLASIA 6 WITHOUT POLYDACTYLY; Majewski Syndrome; SHORT RIB-POLYDACTYLY SYNDROME, TYPE IIA. Identifiers: MedGen C0024507, MONDO:0009894, OMIM 263520.

Allele frequency attached by ClinVar (database versions not stated): ExAC 0.00006; gnomAD 0.00015; TOPMed 0.00015; 1000 Genomes Project 30x 0.00016; ESP Exome Variant Server 0.00017; 1000 Genomes Project 0.00020.
gnomAD v4.1: 67 of 1,588,106 alleles (0.0042%); highest among the groups gnomAD compares: African/African-American, 0.057%; 1 homozygote.

Submission:

Labcorp Genetics (formerly Invitae), Labcorp
Classification: Uncertain significance for Short-rib thoracic dysplasia 6 with or without polydactyly. Last evaluated: 2025-09-14. Review status: criteria provided, single submitter. Criteria: Invitae Variant Classification Sherloc (09022015). Collection method: clinical testing. Allele origin: germline.
Comment: This sequence change falls in intron 24 of the NEK1 gene. It does not directly change the encoded amino acid sequence of the NEK1 protein. It affects a nucleotide within the consensus splice site. This variant is present in population databases (rs376641963, gnomAD 0.08%). This variant has not been reported in the literature in individuals affected with NEK1-related conditions. ClinVar contains an entry for this variant (Variation ID: 2049460). Variants that disrupt the consensus splice site are a relatively common cause of aberrant splicing (PMID: 17576681, 9536098). Algorithms developed to predict the effect of sequence changes on RNA splicing suggest that this variant is not likely to affect RNA splicing. In summary, the available evidence is currently insufficient to determine the role of this variant in disease. Therefore, it has been classified as a Variant of Uncertain Significance.

Literature cited by the submitters: PubMed 17576681; PubMed 9536098.